The following is an entry in ClinVar:

NM_007118.4(TRIO):c.1199G>A (p.Arg400His)

Gene: TRIO (trio Rho guanine nucleotide exchange factor; plus strand). Cytogenetic location: 5p15.2.
Variant type: single nucleotide variant.
Coding change: c.1199G>A on transcript NM_007118.4 (MANE Select); coding-DNA position 1199, G replaced by A.
Protein change: p.Arg400His; replaces arginine 400 with histidine.
Molecular consequence: missense variant. On other transcripts: non-coding transcript variant (1).
Genome position (GRCh38, 1-based): chr5:14,297,094, G>A. VCF-style: chr5-14297094-G-A. GRCh37 (hg19) VCF-style: chr5-14297203-G-A.
Other names: short protein forms R400H.
Identifiers: ClinVar variation 3731250 (VCV003731250.2).

ClinVar aggregate classification (germline): Uncertain significance. Review status: criteria provided, multiple submitters, no conflicts (2 of 4 stars). 2 submissions from 2 submitters: Uncertain significance (2). Last evaluated 2024-12-16.

Conditions:
Inborn genetic diseases. Identifiers: MedGen C0950123, MeSH D030342.

gnomAD v4.1: 18 of 1,613,134 alleles (0.0011%); highest among the groups gnomAD compares: African/African-American, 0.0053%; no homozygotes.

Submissions (2):

Ambry Genetics
Classification: Uncertain significance for Inborn genetic diseases. Last evaluated: 2024-12-16. Review status: criteria provided, single submitter. Criteria: Ambry Variant Classification Scheme 2023. Collection method: clinical testing. Allele origin: germline.

GeneDx
Classification: Uncertain significance. Last evaluated: 2024-08-16. Review status: criteria provided, single submitter. Criteria: GeneDx Variant Classification Process June 2021. Collection method: clinical testing. Allele origin: germline. Affected: yes.
Comment: In silico analysis supports that this missense variant has a deleterious effect on protein structure/function; Has not been previously published as pathogenic or benign to our knowledge